The following is an entry in ClinVar:

ClinVar aggregate classification (germline): Pathogenic/Likely pathogenic. Review status: criteria provided, multiple submitters, no conflicts (2 of 4 stars). 4 submissions from 4 submitters: Pathogenic (3); Likely pathogenic (1). Last evaluated 2025-08-14.

Conditions:
Glycogen storage disease. Also called: glycogen storage disorder; Disorder of glycogen metabolism. Identifiers: Orphanet 79201, MedGen C0017919, MONDO:0002412.
Glucose-6-phosphate transport defect (GSD1B). Also called: GSD Ib; Glycogen Storage Disease Type Ib. Identifiers: Orphanet 364, Orphanet 79259, MedGen C0268146, MONDO:0009288, OMIM 232220.

Submissions (4):

Labcorp Genetics (formerly Invitae), Labcorp
Classification: Pathogenic for Glucose-6-phosphate transport defect. Last evaluated: 2025-08-14. Review status: criteria provided, single submitter. Criteria: Invitae Variant Classification Sherloc (09022015). Collection method: clinical testing. Allele origin: germline.
Comment: This sequence change creates a premature translational stop signal (p.Tyr21Leufs*28) in the SLC37A4 gene. It is expected to result in an absent or disrupted protein product. Loss-of-function variants in SLC37A4 are known to be pathogenic (PMID: 9758626, 10940311). This variant is not present in population databases (gnomAD no frequency). This variant has not been reported in the literature in individuals affected with SLC37A4-related conditions. ClinVar contains an entry for this variant (Variation ID: 835295). Algorithms developed to predict the effect of sequence changes on RNA splicing suggest that this variant may disrupt the consensus splice site. For these reasons, this variant has been classified as Pathogenic.

Genetics Laboratory, Great Ormond Street Hospital NHS Foundation Trust, North Thames Genomic Laboratory Hub
Classification: Pathogenic for Glycogen storage disease. Last evaluated: 2025-07-17. Review status: criteria provided, single submitter. Criteria: ACGS Best Practice Guidelines for Variant Classification in Rare Disease 2024 v1.2. Collection method: clinical testing. Allele origin: germline. Affected: yes.
Comment: PM2_moderate, PVS1_strong, PM3_moderate, PP4_moderate

Baylor Genetics
Classification: Likely pathogenic for Glucose-6-phosphate transport defect. Last evaluated: 2022-12-03. Review status: criteria provided, single submitter. Criteria: ACMG Guidelines, 2015. Collection method: clinical testing. Allele origin: unknown.

CeGaT Center for Human Genetics Tuebingen
Classification: Pathogenic. Last evaluated: 2022-08-01. Review status: criteria provided, single submitter. Criteria: CeGaT Center For Human Genetics Tuebingen Variant Classification Criteria Version 2. Collection method: clinical testing. Allele origin: germline. Affected: yes. Observed: 1 variant allele.

Literature cited by the submitters: PubMed 9758626 (cited by Labcorp Genetics (formerly Invitae), Labcorp); PubMed 10940311 (cited by Labcorp Genetics (formerly Invitae), Labcorp).

NM_001164277.2(SLC37A4):c.59dup (p.Tyr21fs)

Gene: SLC37A4 (solute carrier family 37 member 4; minus strand). Cytogenetic location: 11q23.3.
Variant type: Duplication.
Coding change: c.59dup on transcript NM_001164277.2 (MANE Select); coding-DNA position 59, one base duplicated (G; older notation c.59dupG).
Protein change: p.Tyr21fs; shifts the reading frame from tyrosine 21.
Molecular consequence: frameshift variant. On other transcripts: intron variant (1).
Genome position (GRCh38, 1-based): chr11:119,029,311, C duplicated on the plus strand (G on the coding strand, the reverse complement: SLC37A4 is on the minus strand); the first of 5 consecutive C bases (chr11:119,029,311-119,029,315); duplicating any one gives the same sequence. VCF-style (leftmost placement, unchanged base first): chr11-119029310-G-GC. GRCh37 (hg19) VCF-style: chr11-118900020-G-GC.
Other names: c.59dup, p.Tyr21fs (NM_001164278.2, NM_001164280.2, NM_001467.6); c.-172+81dup (NM_001164279.2); short protein forms Y21fs.
Identifiers: ClinVar variation 835295 (VCV000835295.38), dbSNP rs1943676862, ClinGen allele CA916079951.
Genomic context (GRCh38, chr11:119,029,310, plus strand): 5'-TTCCACCAATGATGGCATGACAAAGGAGAAGGTCTTGCGATTGAAGTAATACAGGCTGTA[G>GC]CCCCCAAACATGGCTGAGAAGATCACAGTGCGATAATAGCCATAGCCCTGGGCTGCCATG-3'